The following is an entry in ClinVar:

ClinVar aggregate classification (germline): Uncertain significance (1 of 4 stars; one submission).

Submission:

Labcorp Genetics (formerly Invitae), Labcorp
Classification: Uncertain significance. Last evaluated: 2022-05-12. Review status: criteria provided, single submitter. Criteria: Invitae Variant Classification Sherloc (09022015). Collection method: clinical testing. Allele origin: germline.
Comment: In summary, the available evidence is currently insufficient to determine the role of this variant in disease. Therefore, it has been classified as a Variant of Uncertain Significance. Algorithms developed to predict the effect of missense changes on protein structure and function are either unavailable or do not agree on the potential impact of this missense change (SIFT: "Deleterious"; PolyPhen-2: "Not Available"; Align-GVGD: "Class C65"). This variant has not been reported in the literature in individuals affected with CDH23-related conditions. This variant is not present in population databases (gnomAD no frequency). This sequence change replaces alanine, which is neutral and non-polar, with aspartic acid, which is acidic and polar, at codon 2426 of the CDH23 protein (p.Ala2426Asp).

NM_022124.6(CDH23):c.7277C>A (p.Ala2426Asp)

Gene: CDH23 (cadherin related 23; plus strand). Cytogenetic location: 10q22.1.
Variant type: single nucleotide variant.
Coding change: c.7277C>A on transcript NM_022124.6 (MANE Select); coding-DNA position 7277, C replaced by A.
Protein change: p.Ala2426Asp; replaces alanine 2426 with aspartic acid.
Molecular consequence: missense variant.
Genome position (GRCh38, 1-based): chr10:71,799,544, C>A. VCF-style: chr10-71799544-C-A. GRCh37 (hg19) VCF-style: chr10-73559301-C-A.
Other names: c.557C>A, p.Ala186Asp (NM_001171933.1, NM_001171934.1); short protein forms A186D, A2426D.
Identifiers: ClinVar variation 1993666 (VCV001993666.4), dbSNP rs1841497964, ClinGen allele CA377159317.